The following is an entry in ClinVar:

NM_001001331.4(ATP2B2):c.2T>C (p.Met1Thr)

Gene: ATP2B2 (ATPase plasma membrane Ca2+ transporting 2; minus strand). Cytogenetic location: 3p25.3.
Variant type: single nucleotide variant.
Coding change: c.2T>C on transcript NM_001001331.4 (MANE Select); coding-DNA position 2, T replaced by C.
Protein change: p.Met1Thr; changes the start codon (methionine 1).
Molecular consequence: missense variant, initiator codon variant.
Genome position (GRCh38, 1-based): chr3:10,449,542, A>G on the plus strand (T>C on the coding strand, the complement: ATP2B2 is on the minus strand). VCF-style: chr3-10449542-A-G. GRCh37 (hg19) VCF-style: chr3-10491226-A-G.
Other names: c.2T>C, p.Met1Thr (NM_001330611.3, NM_001353564.1, NM_001363862.1 and 1 more transcripts); short protein forms M1T.
Identifiers: ClinVar variation 2662314 (VCV002662314.2), dbSNP rs2471027039, ClinGen allele CA351783040.

ClinVar aggregate classification (germline): Uncertain significance (1 of 4 stars; one submission).

Submission:

GeneDx
Classification: Uncertain significance. Last evaluated: 2025-10-31. Review status: criteria provided, single submitter. Criteria: GeneDx Variant Classification Process June 2021. Collection method: clinical testing. Allele origin: germline.
Comment: Not observed at significant frequency in large population cohorts (gnomAD); Initiation codon variant predicted to alter the protein; however, a downstream in-frame Methionine residue could serve as an alternate initiator codon; Has not been previously published as pathogenic or benign to our knowledge